The following is an entry in ClinVar:

ClinVar aggregate classification (germline): Uncertain significance. Review status: criteria provided, multiple submitters, no conflicts (2 of 4 stars). 3 submissions from 3 submitters: Uncertain significance (3). Last evaluated 2025-06-16.

Conditions:
Congenital adrenal hyperplasia due to cytochrome P450 oxidoreductase deficiency. Also called: DISORDERED STEROIDOGENESIS DUE TO POR DEFICIENCY. Identifiers: Orphanet 95699, MedGen C1860042, MONDO:0013310, OMIM 613571.
POR-related disorder. Also called: POR-related condition.

Allele frequency attached by ClinVar (database versions not stated): gnomAD exomes 0.00004 and 0.00006; ExAC 0.00010; 1000 Genomes Project 30x 0.00016; ESP Exome Variant Server 0.00024; gnomAD 0.00038 and 0.00042; TOPMed 0.00049.
gnomAD v4.1: 117 of 1,613,184 alleles (0.0073%); highest among the groups gnomAD compares: African/African-American, 0.15%; no homozygotes.

Submissions (3):

PreventionGenetics, part of Exact Sciences
Classification: Uncertain significance for POR-related condition. Last evaluated: 2025-06-16. Review status: criteria provided, single submitter. Criteria: ACMG Guidelines, 2015. Collection method: clinical testing. Allele origin: germline.
Comment: The POR c.907C>T variant is predicted to result in the amino acid substitution p.Leu303Phe. To our knowledge, this variant has not been reported in the literature. This variant is reported in 0.091% of alleles in individuals of African descent in gnomAD. Although we suspect that this variant may be benign, at this time, the clinical significance of this variant is uncertain due to the absence of conclusive functional and genetic evidence.

GeneDx
Classification: Uncertain significance. Last evaluated: 2025-05-22. Review status: criteria provided, single submitter. Criteria: GeneDx Variant Classification Process June 2021. Collection method: clinical testing. Allele origin: germline. Affected: yes.
Comment: In silico analysis suggests that this missense variant does not alter protein structure/function; Has not been previously published as pathogenic or benign to our knowledge

Labcorp Genetics (formerly Invitae), Labcorp
Classification: Uncertain significance for Congenital adrenal hyperplasia due to cytochrome P450 oxidoreductase deficiency. Last evaluated: 2021-11-25. Review status: criteria provided, single submitter. Criteria: Invitae Variant Classification Sherloc (09022015). Collection method: clinical testing. Allele origin: germline.
Comment: This sequence change replaces leucine, which is neutral and non-polar, with phenylalanine, which is neutral and non-polar, at codon 303 of the POR protein (p.Leu303Phe). This variant is present in population databases (rs201649877, gnomAD 0.09%). This variant has not been reported in the literature in individuals affected with POR-related conditions. ClinVar contains an entry for this variant (Variation ID: 1199771). Algorithms developed to predict the effect of missense changes on protein structure and function output the following: SIFT: "Tolerated"; PolyPhen-2: "Benign"; Align-GVGD: "Class C0". The phenylalanine amino acid residue is found in multiple mammalian species, which suggests that this missense change does not adversely affect protein function. In summary, the available evidence is currently insufficient to determine the role of this variant in disease. Therefore, it has been classified as a Variant of Uncertain Significance.

NM_001395413.1(POR):c.898C>T (p.Leu300Phe)

Genes: POR (cytochrome p450 oxidoreductase; plus strand), LOC126860075 (CDK7 strongly-dependent group 2 enhancer GRCh37_chr7:75612087-75613286; plus strand). Cytogenetic location: 7q11.23.
Variant type: single nucleotide variant.
Coding change: c.898C>T on transcript NM_001395413.1 (MANE Select); coding-DNA position 898, C replaced by T.
Protein change: p.Leu300Phe; replaces leucine 300 with phenylalanine.
Molecular consequence: missense variant.
Genome position (GRCh38, 1-based): chr7:75,983,596, C>T. VCF-style: chr7-75983596-C-T. GRCh37 (hg19) VCF-style: chr7-75612914-C-T.
Other names: c.907C>T (NM_000941.2); c.898C>T, p.Leu300Phe (NM_001367562.3, NM_001382657.2, NM_001382658.3 and 2 more transcripts); c.952C>T, p.Leu318Phe (NM_001382655.3); short protein forms L300F, L318F.
Identifiers: ClinVar variation 1199771 (VCV001199771.8), dbSNP rs201649877, ClinGen allele CA4303890.